The following is an entry in ClinVar:

ClinVar aggregate classification (germline): Likely pathogenic (1 of 4 stars; one submission).

Conditions:
Lesch-Nyhan syndrome (LNS). Also called: Lesch-Nyhan Disease (LND); HPRT DEFICIENCY, COMPLETE. Identifiers: Orphanet 510, MedGen C0023374, MONDO:0010298, OMIM 300322.

Submission:

Sfax Medical Genetics Laboratory, Laboratoire Ksentini
Classification: Likely pathogenic for Lesch-Nyhan syndrome. Review status: criteria provided, single submitter. Criteria: ACMG Guidelines, 2015. Collection method: clinical testing. Allele origin: germline. Inheritance: X-linked recessive inheritance. Affected: yes. Observed: 1 hemizygote.
Comment: The NM_000194.3:c.486C>G p.Ser162Arg variant in HPRT1 results in substitution of serine with arginine at the 162 AA position. This variant is absent in gnomAD v4.1.0 database (PM2).In silico prediction tools predict a damaging effects (REVEL:0.81, MetaLR: 0.96) (PP3_moderate). In summary, this variant meets criteria to be classified as likely pathogenic (PM2, PP3_moderate, PP4_moderate).

NM_000194.3(HPRT1):c.486C>G (p.Ser162Arg)

Gene: HPRT1 (hypoxanthine phosphoribosyltransferase 1; plus strand). Cytogenetic location: Xq26.2.
Variant type: single nucleotide variant.
Coding change: c.486C>G on transcript NM_000194.3 (MANE Select); coding-DNA position 486, C replaced by G.
Protein change: p.Ser162Arg; replaces serine 162 with arginine.
Molecular consequence: missense variant.
Genome position (GRCh38, 1-based): chrX:134,498,390, C>G. VCF-style: chrX-134498390-C-G. GRCh37 (hg19) VCF-style: chrX-133632420-C-G.
Other names: short protein forms S162R.
Identifiers: ClinVar variation 4086105 (VCV004086105.1).